The following is an entry in ClinVar:

ClinVar aggregate classification (germline): Uncertain significance (1 of 4 stars; one submission).

Submission:

CeGaT Center for Human Genetics Tuebingen
Classification: Uncertain significance. Last evaluated: 2026-09-01. Review status: criteria provided, single submitter. Criteria: CeGaT Center For Human Genetics Tuebingen Variant Classification Criteria Version 2. Collection method: clinical testing. Allele origin: germline. Affected: yes. Observed: 1 variant allele.
Comment: SYNE2: PM2, BP4

NM_182914.3(SYNE2):c.8024C>G (p.Thr2675Ser)

Gene: SYNE2 (spectrin repeat containing nuclear envelope protein 2; plus strand). Cytogenetic location: 14q23.2.
Variant type: single nucleotide variant.
Coding change: c.8024C>G on transcript NM_182914.3 (MANE Select); coding-DNA position 8024, C replaced by G.
Protein change: p.Thr2675Ser; replaces threonine 2675 with serine.
Molecular consequence: missense variant.
Genome position (GRCh38, 1-based): chr14:64,051,937, C>G. VCF-style: chr14-64051937-C-G. GRCh37 (hg19) VCF-style: chr14-64518655-C-G.
Other names: c.8024C>G, p.Thr2675Ser (NM_015180.6); short protein forms T2675S.
Identifiers: ClinVar variation 5041859 (VCV005041859.1).